The following is an entry in ClinVar:

ClinVar aggregate classification (germline): Benign/Likely benign. Review status: criteria provided, multiple submitters, no conflicts (2 of 4 stars). 3 submissions from 3 submitters: Benign (1); Likely benign (2). Last evaluated 2026-08-01.

Conditions:
Tuberous sclerosis syndrome (TSC). Also called: Tuberous Sclerosis Complex; Tuberous sclerosis. Identifiers: Orphanet 805, MedGen C0041341, MONDO:0001734.

Allele frequency attached by ClinVar (database versions not stated): 1000 Genomes Project 30x 0.00141; 1000 Genomes Project 0.00160; gnomAD 0.00202 and 0.00226; TOPMed 0.00233; ESP Exome Variant Server 0.00255.

Submissions (3):

CeGaT Center for Human Genetics Tuebingen
Classification: Likely benign. Last evaluated: 2026-08-01. Review status: criteria provided, single submitter. Criteria: CeGaT Center For Human Genetics Tuebingen Variant Classification Criteria Version 2. Collection method: clinical testing. Allele origin: germline. Affected: yes. Observed: 4 variant alleles.
Comment: TSC2: BS1

Illumina Laboratory Services, Illumina
Classification: Benign for Tuberous sclerosis syndrome. Last evaluated: 2018-01-13. Review status: criteria provided, single submitter. Criteria: ICSL Variant Classification Criteria 13 December 2019. Collection method: clinical testing. Allele origin: germline.
Comment: This variant was observed in the ICSL laboratory as part of a predisposition screen in an ostensibly healthy population. It had not been previously curated by ICSL or reported in the Human Gene Mutation Database (HGMD: prior to June 1st, 2018), and was therefore a candidate for classification through an automated scoring system. Utilizing variant allele frequency, disease prevalence and penetrance estimates, and inheritance mode, an automated score was calculated to assess if this variant is too frequent to cause the disease. Based on the score and internal cut-off values, a variant classified as benign is not then subjected to further curation. The score for this variant resulted in a classification of benign for this disease.

PreventionGenetics, part of Exact Sciences
Classification: Likely benign. Review status: criteria provided, single submitter. Criteria: ACMG Guidelines, 2015. Collection method: clinical testing. Allele origin: germline.

NM_000548.5(TSC2):c.*35G>A

Gene: TSC2 (TSC complex subunit 2; plus strand). Cytogenetic location: 16p13.3.
Variant type: single nucleotide variant.
Coding change: c.*35G>A on transcript NM_000548.5 (MANE Select); 35 bases downstream of the stop codon, G replaced by A.
Molecular consequence: 3 prime UTR variant.
Genome position (GRCh38, 1-based): chr16:2,088,645, G>A. VCF-style: chr16-2088645-G-A. GRCh37 (hg19) VCF-style: chr16-2138646-G-A.
Other names: c.*35G>A (NM_001077183.3, NM_001114382.3, NM_001318827.2 and 7 more transcripts).
Identifiers: ClinVar variation 256617 (VCV000256617.28), dbSNP rs200025534, ClinGen allele CA047561.